The following is an entry in ClinVar:

NM_005188.4(CBL):c.2368C>T (p.Leu790Phe)

Gene: CBL (Cbl proto-oncogene; plus strand). Cytogenetic location: 11q23.3.
Variant type: single nucleotide variant.
Coding change: c.2368C>T on transcript NM_005188.4 (MANE Select); coding-DNA position 2368, C replaced by T.
Protein change: p.Leu790Phe; replaces leucine 790 with phenylalanine.
Molecular consequence: missense variant.
Genome position (GRCh38, 1-based): chr11:119,298,474, C>T. VCF-style: chr11-119298474-C-T. GRCh37 (hg19) VCF-style: chr11-119169184-C-T.
Other names: short protein forms L790F.
Identifiers: ClinVar variation 3995988 (VCV003995988.1).

ClinVar aggregate classification (germline): Uncertain significance (1 of 4 stars; one submission).

Conditions:
Cardiovascular phenotype. Identifiers: MedGen CN230736.

Submission:

Ambry Genetics
Classification: Uncertain significance for Cardiovascular phenotype. Last evaluated: 2025-03-28. Review status: criteria provided, single submitter. Criteria: Ambry Variant Classification Scheme 2023. Collection method: clinical testing. Allele origin: germline.
Comment: The p.L790F variant (also known as c.2368C>T), located in coding exon 15 of the CBL gene, results from a C to T substitution at nucleotide position 2368. The leucine at codon 790 is replaced by phenylalanine, an amino acid with highly similar properties. This amino acid position is conserved. In addition, the in silico prediction for this alteration is inconclusive. Based on the available evidence, the clinical significance of this variant remains unclear.